The following is an entry in ClinVar:

NM_003823.4(TNFRSF6B):c.271T>C (p.Cys91Arg)

Genes: RTEL1-TNFRSF6B (RTEL1-TNFRSF6B readthrough (NMD candidate); plus strand), TNFRSF6B (TNF receptor superfamily member 6b; plus strand). Cytogenetic location: 20q13.33.
Variant type: single nucleotide variant.
Coding change: c.271T>C on transcript NM_003823.4 (MANE Select); coding-DNA position 271, T replaced by C.
Protein change: p.Cys91Arg; replaces cysteine 91 with arginine.
Molecular consequence: missense variant. On other transcripts: non-coding transcript variant (1).
Genome position (GRCh38, 1-based): chr20:63,697,038, T>C. VCF-style: chr20-63697038-T-C. GRCh37 (hg19) VCF-style: chr20-62328391-T-C.
Other names: short protein forms C91R.
Identifiers: ClinVar variation 4768434 (VCV004768434.1).

ClinVar aggregate classification (germline): Uncertain significance (1 of 4 stars; one submission).

gnomAD v4.1: 1 of 1,607,530 alleles (0.000062%); highest among the groups gnomAD compares: Non-Finnish European, 0.000085%; no homozygotes.

Submission:

Labcorp Genetics (formerly Invitae), Labcorp
Classification: Uncertain significance. Last evaluated: 2025-04-30. Review status: criteria provided, single submitter. Criteria: Invitae Variant Classification Sherloc (09022015). Collection method: clinical testing. Allele origin: germline.
Comment: This sequence change replaces cysteine, which is neutral and slightly polar, with arginine, which is basic and polar, at codon 91 of the TNFRSF6B protein (p.Cys91Arg). This variant is present in population databases (no rsID available, gnomAD 0.001%). This variant has not been reported in the literature in individuals affected with TNFRSF6B-related conditions. An algorithm developed to predict the effect of missense changes on protein structure and function (PolyPhen-2) suggests that this variant is likely to be disruptive. In summary, the available evidence is currently insufficient to determine the role of this variant in disease. Therefore, it has been classified as a Variant of Uncertain Significance.